The following is an entry in ClinVar:

ClinVar aggregate classification (germline): Pathogenic/Likely pathogenic. Review status: criteria provided, multiple submitters, no conflicts (2 of 4 stars). 2 submissions from 2 submitters: Pathogenic (1); Likely pathogenic (1). Last evaluated 2023-10-16.

Conditions:
Zellweger spectrum disorders (ZS). Also called: Zellweger Spectrum Disorder; Zellweger Spectrum; Zellweger Spectrum Disorder (ZSD); Zellweger syndrome. Identifiers: Orphanet 912, MedGen C0043459, MONDO:0019609.
Peroxisome biogenesis disorder 1B (PBD1B). Also called: PEROXISOME BIOGENESIS DISORDER (NEONATAL ADRENOLEUKODYSTROPHY/INFANTILE REFSUM DISEASE); INFANTILE PHYTANIC ACID STORAGE DISEASE; PEROXISOME BIOGENESIS DISORDER (NALD/IRD); ADRENOLEUKODYSTROPHY, AUTOSOMAL NEONATAL; Refsum disease, infantile form; Infantile Refsum disease. Identifiers: Orphanet 44, MedGen C0282527, MONDO:0011101, OMIM 601539.
Peroxisome biogenesis disorder 1A (Zellweger) (PBD1A). Also called: Peroxisome biogenesis disorder 1a; Zellweger leukodystrophy. Identifiers: MedGen C4721541, MONDO:0008953, OMIM 214100.
Heimler syndrome 1 (HMLR1). Also called: PEROXISOME BIOGENESIS DISORDER 1C. Identifiers: Orphanet 3220, MedGen C4551980, OMIM 234580, MONDO:0024544.

Submissions (2):

Labcorp Genetics (formerly Invitae), Labcorp
Classification: Pathogenic for Zellweger spectrum disorders. Last evaluated: 2023-10-16. Review status: criteria provided, single submitter. Criteria: Invitae Variant Classification Sherloc (09022015). Collection method: clinical testing. Allele origin: germline.
Comment: This sequence change creates a premature translational stop signal (p.Glu186*) in the PEX1 gene. It is expected to result in an absent or disrupted protein product. Loss-of-function variants in PEX1 are known to be pathogenic (PMID: 21031596, 26387595, 31831025). This variant is not present in population databases (gnomAD no frequency). This variant has not been reported in the literature in individuals affected with PEX1-related conditions. For these reasons, this variant has been classified as Pathogenic.

Juno Genomics, Hangzhou Juno Genomics, Inc
Classification: Likely pathogenic for Heimler syndrome 1; Peroxisome biogenesis disorder 1A (Zellweger); Peroxisome biogenesis disorder 1B. Review status: criteria provided, single submitter. Criteria: ACMG Guidelines, 2015. Collection method: clinical testing. Allele origin: germline.
Comment: Null variant in a gene where loss of function (LOF) is a known mechanism of disease.;Absent from controls (or at extremely low frequency if recessive) in Genome Aggregation Database.

Literature cited by the submitters: PubMed 21031596 (cited by Labcorp Genetics (formerly Invitae), Labcorp); PubMed 26387595 (cited by Labcorp Genetics (formerly Invitae), Labcorp); PubMed 31831025 (cited by Labcorp Genetics (formerly Invitae), Labcorp).

NM_000466.3(PEX1):c.556G>T (p.Glu186Ter)

Gene: PEX1 (peroxisomal biogenesis factor 1; minus strand). Cytogenetic location: 7q21.2.
Variant type: single nucleotide variant.
Coding change: c.556G>T on transcript NM_000466.3 (MANE Select); coding-DNA position 556, G replaced by T.
Protein change: p.Glu186Ter; replaces glutamic acid 186 with a stop codon.
Molecular consequence: nonsense. On other transcripts: 5 prime UTR variant (1).
Genome position (GRCh38, 1-based): chr7:92,517,959, C>A on the plus strand (G>T on the coding strand, the complement: PEX1 is on the minus strand). VCF-style: chr7-92517959-C-A. GRCh37 (hg19) VCF-style: chr7-92147273-C-A.
Other names: c.556G>T, p.Glu186Ter (NM_001282677.2); c.-69G>T (NM_001282678.2); short protein forms E186*.
Identifiers: ClinVar variation 2894878 (VCV002894878.5), dbSNP rs1294268789, ClinGen allele CA368201253.